The following is an entry in ClinVar:

ClinVar aggregate classification (germline): Uncertain significance. Review status: criteria provided, single submitter (1 of 4 stars). 2 submissions from 2 submitters: Uncertain significance (1). 1 of the submissions does not count toward it. Last evaluated 2024-10-18.

Conditions:
Hypertrophic cardiomyopathy 26. Also called: Cardiomyopathy, familial hypertrophic, 26. Identifiers: Orphanet 75249, MedGen C4310749, MONDO:0014883, OMIM 617047.
Distal myopathy with posterior leg and anterior hand involvement. Also called: WILLIAMS DISTAL MYOPATHY. Identifiers: Orphanet 63273, MedGen C3279722, MONDO:0013550, OMIM 614065.
Myofibrillar myopathy 5. Also called: FILAMINOPATHY, AUTOSOMAL DOMINANT; Filaminopathy (type). Identifiers: Orphanet 171445, MedGen C1836050, MONDO:0012289, OMIM 609524.

Submissions (2):

Labcorp Genetics (formerly Invitae), Labcorp
Classification: Uncertain significance for Distal myopathy with posterior leg and anterior hand involvement; Myofibrillar myopathy 5; Hypertrophic cardiomyopathy 26. Last evaluated: 2024-10-18. Review status: criteria provided, single submitter. Criteria: Invitae Variant Classification Sherloc (09022015). Collection method: clinical testing. Allele origin: germline.
Comment: This sequence change replaces leucine, which is neutral and non-polar, with proline, which is neutral and non-polar, at codon 114 of the FLNC protein (p.Leu114Pro). This variant is not present in population databases (gnomAD no frequency). This variant has not been reported in the literature in individuals affected with FLNC-related conditions. ClinVar contains an entry for this variant (Variation ID: 1036949). Invitae Evidence Modeling of protein sequence and biophysical properties (such as structural, functional, and spatial information, amino acid conservation, physicochemical variation, residue mobility, and thermodynamic stability) has been performed for this missense variant. However, the output from this modeling did not meet the statistical confidence thresholds required to predict the impact of this variant on FLNC protein function. In summary, the available evidence is currently insufficient to determine the role of this variant in disease. Therefore, it has been classified as a Variant of Uncertain Significance.

Kasturba Medical College, Manipal, Kasturba Medical College, Manipal, Manipal Academy of Higher Education, Manipal, India
Classification: Likely pathogenic for Hypertrophic cardiomyopathy 26. Review status: no assertion criteria provided. Collection method: clinical testing. Allele origin: paternal. Inheritance: Autosomal dominant inheritance. Affected: yes. Observed: 1 heterozygote. Not counted in ClinVar's aggregate classification.

NM_001458.5(FLNC):c.341T>C (p.Leu114Pro)

Gene: FLNC (filamin C; plus strand). Cytogenetic location: 7q32.1.
Variant type: single nucleotide variant.
Coding change: c.341T>C on transcript NM_001458.5 (MANE Select); coding-DNA position 341, T replaced by C.
Protein change: p.Leu114Pro; replaces leucine 114 with proline.
Molecular consequence: missense variant.
Genome position (GRCh38, 1-based): chr7:128,830,978, T>C. VCF-style: chr7-128830978-T-C. GRCh37 (hg19) VCF-style: chr7-128471032-T-C.
Other names: c.341T>C, p.Leu114Pro (NM_001127487.2); short protein forms L114P.
Identifiers: ClinVar variation 1036949 (VCV001036949.11), dbSNP rs1807864684, ClinGen allele CA369217155.